The following is an entry in ClinVar:

NM_177438.3(DICER1):c.2970G>A (p.Val990=)

Gene: DICER1 (dicer 1, ribonuclease III; minus strand). Cytogenetic location: 14q32.13.
Variant type: single nucleotide variant.
Coding change: c.2970G>A on transcript NM_177438.3 (MANE Select); coding-DNA position 2970, G replaced by A.
Protein change: p.Val990=; no amino-acid change (valine 990 retained).
Molecular consequence: synonymous variant.
Genome position (GRCh38, 1-based): chr14:95,106,058, C>T on the plus strand (G>A on the coding strand, the complement: DICER1 is on the minus strand). VCF-style: chr14-95106058-C-T. GRCh37 (hg19) VCF-style: chr14-95572395-C-T.
Other names: c.2970G>A, p.Val990= (NM_001195573.1, NM_001271282.3, NM_001291628.2 and 1 more transcripts).
Identifiers: ClinVar variation 822398 (VCV000822398.14), dbSNP rs1595373667, ClinGen allele CA487844594.

ClinVar aggregate classification (germline): Benign/Likely benign. Review status: criteria provided, multiple submitters, no conflicts (2 of 4 stars). 3 submissions from 3 submitters: Benign (1); Likely benign (2). Last evaluated 2026-08-17.

Conditions:
DICER1-related tumor predisposition. Also called: DICER1 syndrome; DICER1-related pleuropulmonary blastoma cancer predisposition syndrome. Identifiers: Orphanet 284343, MedGen C3839822, MONDO:0100216.
Hereditary cancer-predisposing syndrome. Also called: Hereditary neoplastic syndrome; Neoplastic Syndromes, Hereditary; Tumor predisposition; Hereditary Cancer Syndrome. Identifiers: Orphanet 140162, MedGen C0027672, MeSH D009386, MONDO:0015356.

Allele frequency attached by ClinVar (database versions not stated): gnomAD exomes below 0.00001.
gnomAD v4.1: 1 of 1,614,124 alleles (0.000062%); highest among the groups gnomAD compares: Non-Finnish European, 0.000085%; no homozygotes.

Submissions (3):

Myriad Genetics, Inc.
Classification: Benign for DICER1-related tumor predisposition. Last evaluated: 2026-08-17. Review status: criteria provided, single submitter. Criteria: Myriad Autosomal Dominant, Autosomal Recessive and X-Linked Classification Criteria (2023). Collection method: clinical testing. Allele origin: unknown.
Comment: This variant is considered benign. This variant is a silent/synonymous amino acid change and it is not expected to impact splicing.

Labcorp Genetics (formerly Invitae), Labcorp
Classification: Likely benign for DICER1-related tumor predisposition. Last evaluated: 2023-10-13. Review status: criteria provided, single submitter. Criteria: Invitae Variant Classification Sherloc (09022015). Collection method: clinical testing. Allele origin: germline.

Ambry Genetics
Classification: Likely benign for Hereditary cancer-predisposing syndrome. Last evaluated: 2018-05-16. Review status: criteria provided, single submitter. Criteria: Ambry Variant Classification Scheme 2023. Collection method: clinical testing. Allele origin: germline.